The following continues an entry in ClinVar:

NM_138694.4(PKHD1):c.5134G>A (p.Gly1712Arg)

ClinVar aggregate classification (germline): Conflicting classifications of pathogenicity. Likely pathogenic (9); Uncertain significance (9); Likely benign (1).

Submissions 12 to 20 of 20:

Department of Pathology and Laboratory Medicine, Sinai Health System
Classification: Likely pathogenic for Polycystic kidney disease 4. Last evaluated: 2022-12-15. Review status: criteria provided, single submitter. Criteria: ACMG Guidelines, 2015. Collection method: clinical testing. Allele origin: germline. Affected: yes.

Genome-Nilou Lab
Classification: Uncertain significance for Polycystic kidney disease 4. Last evaluated: 2021-07-22. Review status: criteria provided, single submitter. Criteria: ACMG Guidelines, 2015. Collection method: clinical testing. Allele origin: germline. Affected: no.

Dubai Health Genomic Medicine Center, Dubai Health
Classification: Uncertain significance for Polycystic kidney disease 4. Last evaluated: 2020-08-18. Review status: criteria provided, single submitter. Criteria: ACMG Guidelines, 2015. Collection method: clinical testing. Allele origin: germline. Affected: yes.
Comment: The p.Gly1712Arg missense variant in PKHD1 has been previously reported as a compound heterozygote with another pathogenic loss of function variant in one patient with polycystic kidney disease (PMID: 19914852). It was also identified in 50/10362 (0.48% 0 homozygotes) and 112/129058 (0.09% 0 homozygotes) Ashkenazi Jewish and European Non Finnish alleles respectively in the Genome Aggregation Database (gnomAD). The p.Gly1712Arg variant was also identified in 6/1980 (0.3%) total alleles including one homozygote in the Greater Middle East (GME) variome database. Although relatively high this allele frequency might still be consistent with autosomal recessive incompletely penetrant disease. Computational prediction tools and conservation analysis suggest a possible impact to protein function however this information is not predictive enough to confirm pathogenicity. In summary more information is needed to determine the clinical significance of this variant.

Mayo Clinic Laboratories, Mayo Clinic
Classification: Uncertain significance. Last evaluated: 2019-10-29. Review status: criteria provided, single submitter. Criteria: ACMG Guidelines, 2015. Collection method: clinical testing. Allele origin: germline. Observed: 2 variant alleles.

Molecular Genetics of Inherited Kidney Disorders Laboratory, Garvan Institute of Medical Research
Classification: Uncertain significance. Last evaluated: 2019-01-01. Review status: criteria provided, single submitter. Criteria: ACMG Guidelines, 2015. Collection method: clinical testing. Allele origin: germline. Affected: yes.

Eurofins Ntd Llc (ga)
Classification: Uncertain significance. Last evaluated: 2018-04-24. Review status: criteria provided, single submitter. Criteria: EGL ClinVar v180209 classification definitions. Collection method: clinical testing. Allele origin: germline. Observed: 5 variant alleles, 5 heterozygotes.

GeneDx
Classification: Likely pathogenic. Last evaluated: 2016-09-28. Review status: criteria provided, single submitter. Criteria: GeneDx Variant Classification (06012015). Collection method: clinical testing. Allele origin: germline. Affected: yes.
Comment: The G1712R variant in the PKHD1 gene has been reported previously, along with a second mutation, in an individual with ARPKD (Gunay-Aygun et al., 2010). Although not present in the homozygous state, the NHLBI Exome Sequencing Project reports G1712R was observed in 14/8600 alleles from individuals of European background, indicating it may be a rare variant in this population. The G1712R variant is a non-conservative amino acid substitution, which is likely to impact secondary protein structure as these residues differ in polarity, charge, size and/or other properties. This substitution occurs at a position that is conserved across species. In silico analysis predicts this variant is probably damaging to the protein structure/function. The G1712R variant is a strong candidate for a pathogenic variant, however the possibility it may be a rare benign variant cannot be excluded.

Kariminejad - Najmabadi Pathology & Genetics Center
Classification: Likely pathogenic for Polycystic kidney disease 4. Review status: criteria provided, single submitter. Criteria: ACMG Guidelines, 2015. Collection method: clinical testing. Allele origin: germline. Affected: no.

Counsyl
Classification: Likely pathogenic for Polycystic kidney disease 4. Last evaluated: 2016-10-28. Review status: no assertion criteria provided. Collection method: clinical testing. Allele origin: unknown. Not counted in ClinVar's aggregate classification.

Literature cited by the submitters: PubMed 20413436 (cited by Women's Health and Genetics/Laboratory Corporation of America, LabCorp); PubMed 19940839 (cited by 3 submitters); PubMed 26673778 (cited by 4 submitters); PubMed 19914852 (cited by 4 submitters); PubMed 29801666 (cited by Women's Health and Genetics/Laboratory Corporation of America, LabCorp and Victorian Clinical Genetics Services, Murdoch Childrens Research Institute); PubMed 33940108 (cited by Women's Health and Genetics/Laboratory Corporation of America, LabCorp); PubMed 28252636 (cited by Women's Health and Genetics/Laboratory Corporation of America, LabCorp); PubMed 33437033 (cited by Women's Health and Genetics/Laboratory Corporation of America, LabCorp and Victorian Clinical Genetics Services, Murdoch Childrens Research Institute); PubMed 36703223 (cited by Women's Health and Genetics/Laboratory Corporation of America, LabCorp and Victorian Clinical Genetics Services, Murdoch Childrens Research Institute); PubMed 36938085 (cited by Women's Health and Genetics/Laboratory Corporation of America, LabCorp); PubMed 35497784 (cited by Women's Health and Genetics/Laboratory Corporation of America, LabCorp); PubMed 39071699 (cited by Women's Health and Genetics/Laboratory Corporation of America, LabCorp and Victorian Clinical Genetics Services, Murdoch Childrens Research Institute); PubMed 35497799 (cited by Women's Health and Genetics/Laboratory Corporation of America, LabCorp); PubMed 30145809 (cited by Victorian Clinical Genetics Services, Murdoch Childrens Research Institute); PubMed 36691356 (cited by Victorian Clinical Genetics Services, Murdoch Childrens Research Institute); PubMed 38843839 (cited by Victorian Clinical Genetics Services, Murdoch Childrens Research Institute); PubMed 20301501 (cited by Victorian Clinical Genetics Services, Murdoch Childrens Research Institute); PubMed 21945273 (cited by Victorian Clinical Genetics Services, Murdoch Childrens Research Institute).